The following is an entry in ClinVar:

NM_001999.4(FBN2):c.73G>A (p.Gly25Ser)

Gene: FBN2 (fibrillin 2; minus strand). Cytogenetic location: 5q23.3.
Variant type: single nucleotide variant.
Coding change: c.73G>A on transcript NM_001999.4 (MANE Select); coding-DNA position 73, G replaced by A.
Protein change: p.Gly25Ser; replaces glycine 25 with serine.
Molecular consequence: missense variant.
Genome position (GRCh38, 1-based): chr5:128,537,531, C>T on the plus strand (G>A on the coding strand, the complement: FBN2 is on the minus strand). VCF-style: chr5-128537531-C-T. GRCh37 (hg19) VCF-style: chr5-127873224-C-T.
Other names: short protein forms G25S.
Identifiers: ClinVar variation 569505 (VCV000569505.11), dbSNP rs763408652, ClinGen allele CA3396235.
Genomic context (GRCh38, chr5:128,537,531, plus strand): 5'-GCGGCGGCGGCTGGGGCCGGGGCGGCTTGGGCGGAGGAGGCTGAGGCTGGCCGGCCGTGC[C>T]CTGCGCCCAGAGCACCACACAGCCCAGCCACAGGAAGTAGAGCTGGAGACACAGCCTCCG-3'
Protein context (NP_001990.2, residues 15-35): WLGCVVLWAQ[Gly25Ser]TAGQPQPPPP

ClinVar aggregate classification (germline): Conflicting classifications of pathogenicity. Review status: criteria provided, conflicting classifications (1 of 4 stars). 3 submissions from 3 submitters: Uncertain significance (2); Benign (1). Last evaluated 2024-04-25.

Conditions:
Familial thoracic aortic aneurysm and aortic dissection (TAAD). Also called: Thoracic aortic aneurysms and dissections. Identifiers: Orphanet 91387, MedGen C4707243, MONDO:0019625.
Congenital contractural arachnodactyly (CCA). Also called: Beals-Hecht syndrome; BEALS SYNDROME; Arthrogryposis, distal, type 9. Identifiers: Orphanet 115, MedGen C0220668, MONDO:0007363, OMIM 121050.
Macular degeneration, early-onset (EOMD). Identifiers: MedGen C4015286, MONDO:0014501, OMIM 616118.

Allele frequency attached by ClinVar (database versions not stated): gnomAD exomes below 0.00001 and 0.00001; TOPMed 0.00001; ExAC 0.00002.
gnomAD v4.1: 1 of 1,587,182 alleles (0.000063%); highest among the groups gnomAD compares: Non-Finnish European, 0.000086%; no homozygotes.

Submissions (3):

Ambry Genetics
Classification: Uncertain significance for Familial thoracic aortic aneurysm and aortic dissection. Last evaluated: 2024-04-25. Review status: criteria provided, single submitter. Criteria: Ambry Variant Classification Scheme 2023. Collection method: clinical testing. Allele origin: germline.
Comment: The p.G25S variant (also known as c.73G>A), located in coding exon 1 of the FBN2 gene, results from a G to A substitution at nucleotide position 73. The glycine at codon 25 is replaced by serine, an amino acid with similar properties. This amino acid position is well conserved in available vertebrate species. In addition, the in silico prediction for this alteration is inconclusive. Based on the available evidence, the clinical significance of this variant remains unclear.

Labcorp Genetics (formerly Invitae), Labcorp
Classification: Benign for Congenital contractural arachnodactyly. Last evaluated: 2023-11-19. Review status: criteria provided, single submitter. Criteria: Invitae Variant Classification Sherloc (09022015). Collection method: clinical testing. Allele origin: germline.

Fulgent Genetics
Classification: Uncertain significance for Congenital contractural arachnodactyly; Macular degeneration, early-onset. Last evaluated: 2021-10-04. Review status: criteria provided, single submitter. Criteria: ACMG Guidelines, 2015. Collection method: clinical testing. Allele origin: unknown.